The following is an entry in ClinVar:

NM_002291.3(LAMB1):c.3207G>A (p.Ala1069=)

Gene: LAMB1 (laminin subunit beta 1; minus strand). Cytogenetic location: 7q31.1.
Variant type: single nucleotide variant.
Coding change: c.3207G>A on transcript NM_002291.3 (MANE Select); coding-DNA position 3207, G replaced by A.
Protein change: p.Ala1069=; no amino-acid change (alanine 1069 retained).
Molecular consequence: synonymous variant.
Genome position (GRCh38, 1-based): chr7:107,952,096, C>T on the plus strand (G>A on the coding strand, the complement: LAMB1 is on the minus strand). VCF-style: chr7-107952096-C-T. GRCh37 (hg19) VCF-style: chr7-107592541-C-T.
Identifiers: ClinVar variation 2657937 (VCV002657937.24), dbSNP rs767695883, ClinGen allele CA4435403.

ClinVar aggregate classification (germline): Likely benign (1 of 4 stars; one submission).

Allele frequency attached by ClinVar (database versions not stated): gnomAD exomes 0.00001; ExAC 0.00002.

Submission:

CeGaT Center for Human Genetics Tuebingen
Classification: Likely benign. Last evaluated: 2022-12-01. Review status: criteria provided, single submitter. Criteria: CeGaT Center For Human Genetics Tuebingen Variant Classification Criteria Version 2. Collection method: clinical testing. Allele origin: germline. Affected: yes. Observed: 1 variant allele.
Comment: LAMB1: BP4, BP7